The following is an entry in ClinVar:

ClinVar aggregate classification (germline): Uncertain significance (1 of 4 stars; one submission).

Conditions:
NCKAP1L-related disorder. Also called: NCKAP1L-related condition.

Allele frequency attached by ClinVar (database versions not stated): gnomAD exomes below 0.00001; TOPMed 0.00001.
gnomAD v4.1: 8 of 1,614,230 alleles (0.0005%); highest among the groups gnomAD compares: Middle Eastern, 0.016%; no homozygotes.

Submission:

PreventionGenetics, part of Exact Sciences
Classification: Uncertain significance for NCKAP1L-related condition. Last evaluated: 2023-04-25. Review status: criteria provided, single submitter. Criteria: ACMG Guidelines, 2015. Collection method: clinical testing. Allele origin: germline.
Comment: The NCKAP1L c.658G>C variant is predicted to result in the amino acid substitution p.Glu220Gln. To our knowledge, this variant has not been reported in the literature or in a large population database, indicating this variant is rare. At this time, the clinical significance of this variant is uncertain due to the absence of conclusive functional and genetic evidence.

NM_005337.5(NCKAP1L):c.658G>C (p.Glu220Gln)

Gene: NCKAP1L (NCK associated protein 1 like; plus strand). Cytogenetic location: 12q13.2.
Variant type: single nucleotide variant.
Coding change: c.658G>C on transcript NM_005337.5 (MANE Select); coding-DNA position 658, G replaced by C.
Protein change: p.Glu220Gln; replaces glutamic acid 220 with glutamine.
Molecular consequence: missense variant.
Genome position (GRCh38, 1-based): chr12:54,509,908, G>C. VCF-style: chr12-54509908-G-C. GRCh37 (hg19) VCF-style: chr12-54903692-G-C.
Other names: c.508G>C, p.Glu170Gln (NM_001184976.2); short protein forms E170Q, E220Q.
Identifiers: ClinVar variation 2633270 (VCV002633270.1), dbSNP rs1956873975, ClinGen allele CA385129883.
Genomic context (GRCh38, chr12:54,509,908, plus strand): 5'-GCTGTGAGTGGAGCCCTCCTCTCTTTGCATTTCCTCTTTGTCCGAAGAAACCAGGGGGCT[G>C]AGCAGTGGCGCAGTGCCCAACTTCTAAGCCTCATCAGCAACCCCCCAGCCATGATTAACC-3'
Protein context (NP_005328.2, residues 210-230): FLFVRRNQGA[Glu220Gln]QWRSAQLLSL